The following is an entry in ClinVar:

NM_001042492.3(NF1):c.1721+398T>A

Gene: NF1 (neurofibromin 1; plus strand). Cytogenetic location: 17q11.2.
Variant type: single nucleotide variant.
Coding change: c.1721+398T>A on transcript NM_001042492.3 (MANE Select); 398 bases into the intron after coding-DNA position 1721, T replaced by A.
Molecular consequence: intron variant. On other transcripts: 3 prime UTR variant (1).
Genome position (GRCh38, 1-based): chr17:31,222,327, T>A. VCF-style: chr17-31222327-T-A. GRCh37 (hg19) VCF-style: chr17-29549345-T-A.
Other names: c.*337T>A (NM_001128147.3); c.1721+398T>A (NM_000267.4).
Identifiers: ClinVar variation 4851759 (VCV004851759.1).

ClinVar aggregate classification (germline): Uncertain significance (1 of 4 stars; one submission).

Submission:

Greenwood Genetic Center Diagnostic Laboratories, Greenwood Genetic Center
Classification: Uncertain significance. Last evaluated: 2025-02-03. Review status: criteria provided, single submitter. Criteria: ACMG Guidelines, 2015. Collection method: clinical testing. Allele origin: germline.
Comment: PM2